The following is an entry in ClinVar:

ClinVar aggregate classification (germline): Conflicting classifications of pathogenicity. Review status: criteria provided, conflicting classifications (1 of 4 stars). 2 submissions from 2 submitters: Uncertain significance (1); Likely benign (1). Last evaluated 2025-10-01.

Conditions:
Familial hypobetalipoproteinemia 1. Also called: APOB-Related Familial Hypobetalipoproteinemia; Hypobetalipoproteinemia, normotriglyceridemic; Acanthocytosis with hypobetalipoproteinemia. Identifiers: MedGen C4551990, MONDO:0014252, OMIM 615558.
Hypercholesterolemia, autosomal dominant, type B (FHCL2). Also called: APOLIPOPROTEIN B-100, FAMILIAL DEFECTIVE; APOLIPOPROTEIN B-100, FAMILIAL LIGAND-DEFECTIVE; HYPERCHOLESTEROLEMIA, FAMILIAL, DUE TO LIGAND-DEFECTIVE APOLIPOPROTEIN B; Familial Hypercholesterolemia Type B; Familial hypercholesterolemia 2; APOB-Related Familial Hypercholesterolemia, Autosomal Dominant. Identifiers: MedGen C1704417, MONDO:0007751, OMIM 144010.
Cardiovascular phenotype. Identifiers: MedGen CN230736.

Allele frequency attached by ClinVar (database versions not stated): gnomAD 0.00001; gnomAD exomes 0.00001; ExAC 0.00002; TOPMed 0.00002.

Submissions (2):

Labcorp Genetics (formerly Invitae), Labcorp
Classification: Likely benign for Familial hypobetalipoproteinemia 1; Hypercholesterolemia, autosomal dominant, type B. Last evaluated: 2025-10-01. Review status: criteria provided, single submitter. Criteria: Invitae Variant Classification Sherloc (09022015). Collection method: clinical testing. Allele origin: germline.

Ambry Genetics
Classification: Uncertain significance for Cardiovascular phenotype. Last evaluated: 2023-04-17. Review status: criteria provided, single submitter. Criteria: Ambry Variant Classification Scheme 2023. Collection method: clinical testing. Allele origin: germline.
Comment: The p.S1949F variant (also known as c.5846C>T), located in coding exon 26 of the APOB gene, results from a C to T substitution at nucleotide position 5846. The serine at codon 1949 is replaced by phenylalanine, an amino acid with highly dissimilar properties. This amino acid position is conserved. In addition, this alteration is predicted to be tolerated by in silico analysis. Since supporting evidence is limited at this time, the clinical significance of this alteration remains unclear.

NM_000384.3(APOB):c.5846C>T (p.Ser1949Phe)

Gene: APOB (apolipoprotein B; minus strand). Cytogenetic location: 2p24.1.
Variant type: single nucleotide variant.
Coding change: c.5846C>T on transcript NM_000384.3 (MANE Select); coding-DNA position 5846, C replaced by T.
Protein change: p.Ser1949Phe; replaces serine 1949 with phenylalanine.
Molecular consequence: missense variant.
Genome position (GRCh38, 1-based): chr2:21,011,022, G>A on the plus strand (C>T on the coding strand, the complement: APOB is on the minus strand). VCF-style: chr2-21011022-G-A. GRCh37 (hg19) VCF-style: chr2-21233894-G-A.
Other names: short protein forms S1949F.
Identifiers: ClinVar variation 2562187 (VCV002562187.5), dbSNP rs764931883, ClinGen allele CA062538.